The following is an entry in ClinVar:

NM_004519.4(KCNQ3):c.1123G>A (p.Ala375Thr)

Gene: KCNQ3 (potassium voltage-gated channel subfamily Q member 3; minus strand). Cytogenetic location: 8q24.22.
Variant type: single nucleotide variant.
Coding change: c.1123G>A on transcript NM_004519.4 (MANE Select); coding-DNA position 1123, G replaced by A.
Protein change: p.Ala375Thr; replaces alanine 375 with threonine.
Molecular consequence: missense variant.
Genome position (GRCh38, 1-based): chr8:132,172,615, C>T on the plus strand (G>A on the coding strand, the complement: KCNQ3 is on the minus strand). VCF-style: chr8-132172615-C-T. GRCh37 (hg19) VCF-style: chr8-133184862-C-T.
Other names: c.763G>A, p.Ala255Thr (NM_001204824.2); short protein forms A255T, A375T.
Identifiers: ClinVar variation 1067624 (VCV001067624.9), dbSNP rs2130121106, ClinGen allele CA372289850.

ClinVar aggregate classification (germline): Likely pathogenic (1 of 4 stars; one submission).

Conditions:
Benign neonatal seizures. Also called: Convulsions benign familial neonatal dominant form; Autosomal dominant form of benign neonatal seizures; Benign neonatal familial convulsions; Benign familial neonatal epilepsy; Benign familial neonatal seizures. Identifiers: Orphanet 1949, MedGen C0220669, MONDO:0016027.

Submission:

Labcorp Genetics (formerly Invitae), Labcorp
Classification: Likely pathogenic for Benign neonatal seizures. Last evaluated: 2020-06-12. Review status: criteria provided, single submitter. Criteria: Invitae Variant Classification Sherloc (09022015). Collection method: clinical testing. Allele origin: germline.
Comment: Algorithms developed to predict the effect of missense changes on protein structure and function (SIFT, PolyPhen-2, Align-GVGD) all suggest that this variant is likely to be disruptive, but these predictions have not been confirmed by published functional studies and their clinical significance is uncertain. This sequence change replaces alanine with threonine at codon 375 of the KCNQ3 protein (p.Ala375Thr). The alanine residue is highly conserved and there is a small physicochemical difference between alanine and threonine. This variant is not present in population databases (ExAC no frequency). This variant has been observed in individual(s) with clinical features of neonatal-infantile seizures (Invitae). In at least one individual the variant was observed to be de novo. In summary, the currently available evidence indicates that the variant is pathogenic, but additional data are needed to prove that conclusively. Therefore, this variant has been classified as Likely Pathogenic.